The following is an entry in ClinVar:

NM_001039886.4(ZNF808):c.1986C>G (p.Tyr662Ter)

Gene: ZNF808 (zinc finger protein 808; plus strand). Cytogenetic location: 19q13.41.
Variant type: single nucleotide variant.
Coding change: c.1986C>G on transcript NM_001039886.4 (MANE Select); coding-DNA position 1986, C replaced by G.
Protein change: p.Tyr662Ter; replaces tyrosine 662 with a stop codon.
Molecular consequence: nonsense.
Genome position (GRCh38, 1-based): chr19:52,554,902, C>G. VCF-style: chr19-52554902-C-G. GRCh37 (hg19) VCF-style: chr19-53058155-C-G.
Other names: c.1986C>G, p.Tyr662Ter (NM_001321424.2, NM_001321425.2); c.1779C>G, p.Tyr593Ter (NM_001363550.2); short protein forms Y593*, Y662*.
Identifiers: ClinVar variation 4527093 (VCV004527093.1).

ClinVar aggregate classification (germline): Uncertain significance (1 of 4 stars; one submission).

gnomAD v4.1: 2 of 1,614,146 alleles (0.00012%); highest among the groups gnomAD compares: Non-Finnish European, 0.00017%; no homozygotes.

Submission:

GeneDx
Classification: Uncertain significance. Last evaluated: 2025-04-18. Review status: criteria provided, single submitter. Criteria: GeneDx Variant Classification Process June 2021. Collection method: clinical testing. Allele origin: germline. Affected: yes.
Comment: Nonsense variant predicted to result in protein truncation as the last 242 amino acid(s) are lost with an unclear effect on protein function; Not observed at significant frequency in large population cohorts (gnomAD); Has not been previously published as pathogenic or benign to our knowledge